The following is an entry in ClinVar:

ClinVar aggregate classification (germline): Uncertain significance (1 of 4 stars; one submission).

gnomAD v4.1: 3 of 1,596,702 alleles (0.00019%); highest among the groups gnomAD compares: East Asian, 0.0067%; no homozygotes.

Submission:

Labcorp Genetics (formerly Invitae), Labcorp
Classification: Uncertain significance. Last evaluated: 2025-11-28. Review status: criteria provided, single submitter. Criteria: Invitae Variant Classification Sherloc (09022015). Collection method: clinical testing. Allele origin: germline.
Comment: This sequence change falls in intron 7 of the GUCY2C gene. It does not directly change the encoded amino acid sequence of the GUCY2C protein. It affects a nucleotide within the consensus splice site. This variant is present in population databases (no rsID available, gnomAD 0.006%). This variant has not been reported in the literature in individuals affected with GUCY2C-related conditions. Variants that disrupt the consensus splice site are a relatively common cause of aberrant splicing (PMID: 17576681, 9536098). Algorithms developed to predict the effect of sequence changes on RNA splicing suggest that this variant may disrupt the consensus splice site. In summary, the available evidence is currently insufficient to determine the role of this variant in disease. Therefore, it has been classified as a Variant of Uncertain Significance.

Literature cited by the submitters: PubMed 17576681; PubMed 9536098.

NM_004963.4(GUCY2C):c.949-3T>G

Genes: GUCY2C (guanylate cyclase 2C; minus strand), GUCY2C-AS1 (GUCY2C antisense RNA 1; plus strand). Cytogenetic location: 12p12.3.
Variant type: single nucleotide variant.
Coding change: c.949-3T>G on transcript NM_004963.4 (MANE Select); 3 bases into the intron before coding-DNA position 949, T replaced by G.
Molecular consequence: intron variant.
Genome position (GRCh38, 1-based): chr12:14,674,763, A>C on the plus strand (T>G on the coding strand, the complement: GUCY2C is on the minus strand). VCF-style: chr12-14674763-A-C. GRCh37 (hg19) VCF-style: chr12-14827697-A-C.
Identifiers: ClinVar variation 4711931 (VCV004711931.1).
Genomic context (GRCh38, chr12:14,674,763, plus strand): 5'-GCATATGTCCAAAGAGCAGGATTCCATTCAAATAGGCAAGAGCAAAGTCTCGTTTTGTCT[A>C]AATAAAAAAGGAAAATATTAAAACGGGTCCTTCAAAAAAGAATCTTGTCTTGAGCCTAGA-3'